The following is an entry in ClinVar:

ClinVar aggregate classification (germline): Pathogenic (1 of 4 stars; one submission).

Conditions:
VPS13A-related neurodegenerative disease. Also called: ACANTHOCYTOSIS WITH NEUROLOGIC DISORDER; LEVINE-CRITCHLEY SYNDROME; Choreoacanthocytosis; Chorea-acanthocytosis; Choreaacanthocytosis; VPS13A Disease. Identifiers: Orphanet 2388, MedGen C0393576, MONDO:0008695, OMIM 200150.

Submission:

Myriad Genetics, Inc.
Classification: Pathogenic for VPS13A-related neurodegenerative disease. Last evaluated: 2023-09-12. Review status: criteria provided, single submitter. Criteria: Myriad Autosomal Dominant, Autosomal Recessive and X-Linked Classification Criteria (2023). Collection method: clinical testing. Allele origin: unknown.
Comment: NM_033305.2(VPS13A):c.2704_2710del7(E902Lfs*3) is expected to be pathogenic in the context of VPS13A disease. This variant is predicted to lead to an abnormal or absent protein product due to the creation of a premature termination codon in VPS13A, a gene where loss-of-function variants are known to be pathogenic. Please note: this variant was assessed in the context of healthy population screening.

NM_033305.3(VPS13A):c.2704_2710del (p.Glu902fs)

Gene: VPS13A (vacuolar protein sorting 13 homolog A; plus strand). Cytogenetic location: 9q21.2.
Variant type: Deletion.
Coding change: c.2704_2710del on transcript NM_033305.3 (MANE Select); coding-DNA positions 2704 to 2710, 7 bases deleted (GAACTAT; older notation c.2704_2710delGAACTAT).
Protein change: p.Glu902fs; shifts the reading frame from glutamic acid 902.
Molecular consequence: frameshift variant.
Genome position (GRCh38, 1-based): chr9:77,276,101-77,276,107, GAACTAT deleted; deleting any 7 consecutive bases within chr9:77,276,100-77,276,107 gives the same sequence; the c. name uses the placement nearest the transcript's 3' end. VCF-style (leftmost placement, unchanged base first): chr9-77276099-GTGAACTA-G. GRCh37 (hg19) VCF-style: chr9-79891015-GTGAACTA-G.
Other names: c.2704_2710del, p.Glu902fs (NM_001018037.2, NM_001018038.3, NM_015186.4); short protein forms E902fs.
Identifiers: ClinVar variation 5011654 (VCV005011654.1).